The following is an entry in ClinVar:

ClinVar aggregate classification (germline): Benign/Likely benign. Review status: criteria provided, multiple submitters, no conflicts (2 of 4 stars). 3 submissions from 3 submitters: Benign (1); Likely benign (2). Last evaluated 2025-12-01.

Conditions:
TRRAP-related disorder. Also called: TRRAP-related condition.

Allele frequency attached by ClinVar (database versions not stated): ESP Exome Variant Server 0.00015; 1000 Genomes Project 30x 0.00016; gnomAD 0.00016; TOPMed 0.00018; 1000 Genomes Project 0.00020; gnomAD exomes 0.00036; ExAC 0.00058.
gnomAD v4.1: 542 of 1,610,578 alleles (0.034%); highest among the groups gnomAD compares: South Asian, 0.14%; 1 homozygote.

Submissions (3):

CeGaT Center for Human Genetics Tuebingen
Classification: Likely benign. Last evaluated: 2025-12-01. Review status: criteria provided, single submitter. Criteria: CeGaT Center For Human Genetics Tuebingen Variant Classification Criteria Version 2. Collection method: clinical testing. Allele origin: germline. Affected: yes. Observed: 2 variant alleles.
Comment: TRRAP: PP2, BS1

Labcorp Genetics (formerly Invitae), Labcorp
Classification: Benign. Last evaluated: 2025-09-21. Review status: criteria provided, single submitter. Criteria: Invitae Variant Classification Sherloc (09022015). Collection method: clinical testing. Allele origin: germline.

PreventionGenetics, part of Exact Sciences
Classification: Likely benign for TRRAP-related condition. Last evaluated: 2025-04-24. Review status: criteria provided, single submitter. Criteria: ACMG Guidelines, 2015. Collection method: clinical testing. Allele origin: germline.
Comment: This variant is classified as likely benign based on ACMG/AMP sequence variant interpretation guidelines (Richards et al. 2015 PMID: 25741868, with internal and published modifications).

NM_001375524.1(TRRAP):c.10324G>A (p.Val3442Ile)

Gene: TRRAP (transformation/transcription domain associated protein; plus strand). Cytogenetic location: 7q22.1.
Variant type: single nucleotide variant.
Coding change: c.10324G>A on transcript NM_001375524.1 (MANE Select); coding-DNA position 10324, G replaced by A.
Protein change: p.Val3442Ile; replaces valine 3442 with isoleucine.
Molecular consequence: missense variant.
Genome position (GRCh38, 1-based): chr7:99,004,204, G>A. VCF-style: chr7-99004204-G-A. GRCh37 (hg19) VCF-style: chr7-98601827-G-A.
Other names: c.10195G>A (NM_003496.3); c.10282G>A, p.Val3428Ile (NM_001244580.2); c.10195G>A, p.Val3399Ile (NM_003496.4); short protein forms V3399I, V3428I, V3442I.
Identifiers: ClinVar variation 2144475 (VCV002144475.15), dbSNP rs201183421, ClinGen allele CA4361905.